The following is an entry in ClinVar:

NM_002860.4(ALDH18A1):c.1639C>T (p.Arg547Cys)

Gene: ALDH18A1 (aldehyde dehydrogenase 18 family member A1; minus strand). Cytogenetic location: 10q24.1.
Variant type: single nucleotide variant.
Coding change: c.1639C>T on transcript NM_002860.4 (MANE Select); coding-DNA position 1639, C replaced by T.
Protein change: p.Arg547Cys; replaces arginine 547 with cysteine.
Molecular consequence: missense variant.
Genome position (GRCh38, 1-based): chr10:95,614,128, G>A on the plus strand (C>T on the coding strand, the complement: ALDH18A1 is on the minus strand). VCF-style: chr10-95614128-G-A. GRCh37 (hg19) VCF-style: chr10-97373885-G-A.
Other names: c.1633C>T, p.Arg545Cys (NM_001017423.2, NM_001323415.2); c.1306C>T, p.Arg436Cys (NM_001323412.2, NM_001323416.2); c.1639C>T, p.Arg547Cys (NM_001323413.2, NM_001323414.2); c.1534C>T, p.Arg512Cys (NM_001323417.2); c.1300C>T, p.Arg434Cys (NM_001323418.2); c.1003C>T, p.Arg335Cys (NM_001323419.2); short protein forms R335C, R434C, R436C, R512C, R545C, R547C.
Identifiers: ClinVar variation 1704914 (VCV001704914.5), dbSNP rs768000771, ClinGen allele CA5620253.

ClinVar aggregate classification (germline): Uncertain significance. Review status: criteria provided, multiple submitters, no conflicts (2 of 4 stars). 3 submissions from 3 submitters: Uncertain significance (3). Last evaluated 2025-07-14.

Conditions:
Autosomal dominant spastic paraplegia type 9. Identifiers: MedGen C1832669, MONDO:0015091.
Cutis laxa, autosomal dominant 3 (ADCL3). Identifiers: Orphanet 90348, MedGen C4225268, MONDO:0014706, OMIM 616603.
de Barsy syndrome. Also called: Cutis laxa-corneal clouding-oligophrenia syndrome. Identifiers: Orphanet 2962, MedGen C0268354, MONDO:0017569.
Inborn genetic diseases. Identifiers: MedGen C0950123, MeSH D030342.

Allele frequency attached by ClinVar (database versions not stated): ExAC 0.00002; gnomAD 0.00001; gnomAD exomes 0.00005; TOPMed 0.00002.

Submissions (3):

Labcorp Genetics (formerly Invitae), Labcorp
Classification: Uncertain significance for Autosomal dominant spastic paraplegia type 9; de Barsy syndrome; Cutis laxa, autosomal dominant 3. Last evaluated: 2025-07-14. Review status: criteria provided, single submitter. Criteria: Invitae Variant Classification Sherloc (09022015). Collection method: clinical testing. Allele origin: germline.
Comment: This sequence change replaces arginine, which is basic and polar, with cysteine, which is neutral and slightly polar, at codon 547 of the ALDH18A1 protein (p.Arg547Cys). This variant is present in population databases (rs768000771, gnomAD 0.01%). This variant has not been reported in the literature in individuals affected with ALDH18A1-related conditions. ClinVar contains an entry for this variant (Variation ID: 1704914). Invitae Evidence Modeling of protein sequence and biophysical properties (such as structural, functional, and spatial information, amino acid conservation, physicochemical variation, residue mobility, and thermodynamic stability) indicates that this missense variant is not expected to disrupt ALDH18A1 protein function with a negative predictive value of 80%. In summary, the available evidence is currently insufficient to determine the role of this variant in disease. Therefore, it has been classified as a Variant of Uncertain Significance.

Ambry Genetics
Classification: Uncertain significance for Inborn genetic diseases. Last evaluated: 2023-12-21. Review status: criteria provided, single submitter. Criteria: Ambry Variant Classification Scheme 2023. Collection method: clinical testing. Allele origin: germline.

GeneDx
Classification: Uncertain significance. Last evaluated: 2022-03-09. Review status: criteria provided, single submitter. Criteria: GeneDx Variant Classification Process June 2021. Collection method: clinical testing. Allele origin: germline. Affected: yes.
Comment: Has not been previously published as pathogenic or benign to our knowledge; In silico analysis supports that this missense variant has a deleterious effect on protein structure/function